The following is an entry in ClinVar:

NM_013276.4(SHPK):c.1222C>A (p.Gln408Lys)

Gene: SHPK (sedoheptulokinase; minus strand). Cytogenetic location: 17p13.2.
Variant type: single nucleotide variant.
Coding change: c.1222C>A on transcript NM_013276.4 (MANE Select); coding-DNA position 1222, C replaced by A.
Protein change: p.Gln408Lys; replaces glutamine 408 with lysine.
Molecular consequence: missense variant.
Genome position (GRCh38, 1-based): chr17:3,610,775, G>T on the plus strand (C>A on the coding strand, the complement: SHPK is on the minus strand). VCF-style: chr17-3610775-G-T. GRCh37 (hg19) VCF-style: chr17-3514069-G-T.
Other names: c.1222C>A (NM_013276.2); short protein forms Q408K.
Identifiers: ClinVar variation 3014954 (VCV003014954.4), dbSNP rs756152495, ClinGen allele CA397698287.

ClinVar aggregate classification (germline): Uncertain significance. Review status: criteria provided, multiple submitters, no conflicts (2 of 4 stars). 2 submissions from 2 submitters: Uncertain significance (2). Last evaluated 2024-06-18.

Submissions (2):

Ambry Genetics
Classification: Uncertain significance. Last evaluated: 2024-06-18. Review status: criteria provided, single submitter. Criteria: Ambry Variant Classification Scheme 2023. Collection method: clinical testing. Allele origin: germline.

Labcorp Genetics (formerly Invitae), Labcorp
Classification: Uncertain significance. Last evaluated: 2023-04-22. Review status: criteria provided, single submitter. Criteria: Invitae Variant Classification Sherloc (09022015). Collection method: clinical testing. Allele origin: germline.
Comment: In summary, the available evidence is currently insufficient to determine the role of this variant in disease. Therefore, it has been classified as a Variant of Uncertain Significance. An algorithm developed to predict the effect of missense changes on protein structure and function (PolyPhen-2) suggests that this variant is likely to be tolerated. This variant has not been reported in the literature in individuals affected with SHPK-related conditions. This variant is not present in population databases (gnomAD no frequency). This sequence change replaces glutamine, which is neutral and polar, with lysine, which is basic and polar, at codon 408 of the SHPK protein (p.Gln408Lys).